The following is an entry in ClinVar:

NM_001040108.2(MLH3):c.4169C>G (p.Pro1390Arg)

Gene: MLH3 (mutL homolog 3; minus strand). Cytogenetic location: 14q24.3.
Variant type: single nucleotide variant.
Coding change: c.4169C>G on transcript NM_001040108.2 (MANE Select); coding-DNA position 4169, C replaced by G.
Protein change: p.Pro1390Arg; replaces proline 1390 with arginine.
Molecular consequence: missense variant.
Genome position (GRCh38, 1-based): chr14:75,018,902, G>C on the plus strand (C>G on the coding strand, the complement: MLH3 is on the minus strand). VCF-style: chr14-75018902-G-C. GRCh37 (hg19) VCF-style: chr14-75485605-G-C.
Other names: c.4097C>G, p.Pro1366Arg (NM_014381.3); short protein forms P1366R, P1390R.
Identifiers: ClinVar variation 5024591 (VCV005024591.1).

ClinVar aggregate classification (germline): Uncertain significance (1 of 4 stars; one submission).

Submission:

Ambry Genetics
Classification: Uncertain significance. Last evaluated: 2026-07-11. Review status: criteria provided, single submitter. Criteria: Ambry Variant Classification Scheme 2023. Collection method: clinical testing. Allele origin: germline.
Comment: The p.P1390R variant (also known as c.4169C>G), located in coding exon 11 of the MLH3 gene, results from a C to G substitution at nucleotide position 4169. The proline at codon 1390 is replaced by arginine, an amino acid with dissimilar properties. This amino acid position is conserved. In addition, this alteration is predicted to be deleterious by in silico analysis. Based on the available evidence, the clinical significance of this variant remains unclear.